The following is an entry in ClinVar:

ClinVar aggregate classification (germline): Uncertain significance (1 of 4 stars; one submission).

Conditions:
PCNT-related disorder. Also called: PCNT-related condition.

Submission:

PreventionGenetics, part of Exact Sciences
Classification: Uncertain significance for PCNT-related condition. Last evaluated: 2025-05-22. Review status: criteria provided, single submitter. Criteria: ACMG Guidelines, 2015. Collection method: clinical testing. Allele origin: germline.
Comment: The PCNT c.6921+9C>G variant is predicted to interfere with splicing. To our knowledge, this variant has not been reported in the literature. This variant is reported in 0.00096% of alleles in individuals of European (Non-Finnish) descent in gnomAD. At this time, the clinical significance of this variant is uncertain due to the absence of conclusive functional and genetic evidence.

NM_006031.6(PCNT):c.6921+9C>G

Gene: PCNT (pericentrin; plus strand). Cytogenetic location: 21q22.3.
Variant type: single nucleotide variant.
Coding change: c.6921+9C>G on transcript NM_006031.6 (MANE Select); 9 bases into the intron after coding-DNA position 6921, C replaced by G.
Molecular consequence: intron variant.
Genome position (GRCh38, 1-based): chr21:46,416,848, C>G. VCF-style: chr21-46416848-C-G. GRCh37 (hg19) VCF-style: chr21-47836762-C-G.
Other names: c.6567+9C>G (NM_001315529.2).
Identifiers: ClinVar variation 4988571 (VCV004988571.1).